The following is an entry in ClinVar:

NM_001379270.1(CNGA1):c.528del (p.Asn175_Trp176insTer)

Genes: CNGA1 (cyclic nucleotide gated channel subunit alpha 1; minus strand), LOC101927157 (uncharacterized LOC101927157; plus strand). Cytogenetic location: 4p12.
Variant type: Deletion.
Coding change: c.528del on transcript NM_001379270.1 (MANE Select); coding-DNA position 528, one base deleted (G; older notation c.528delG).
Protein change: p.Asn175_Trp176insTer.
Molecular consequence: nonsense.
Genome position (GRCh38, 1-based): chr4:47,942,058, C deleted on the plus strand (G on the coding strand, the reverse complement: CNGA1 is on the minus strand); the first of 2 consecutive C bases (chr4:47,942,058-47,942,059); deleting either gives the same sequence. VCF-style (leftmost placement, unchanged base first): chr4-47942057-TC-T. GRCh37 (hg19) VCF-style: chr4-47944074-TC-T.
Other names: c.528del, p.Asn175_Trp176insTer (NM_000087.5, NM_001142564.2).
Identifiers: ClinVar variation 1454108 (VCV001454108.7), dbSNP rs1246377488, ClinGen allele CA795527884.
Genomic context (GRCh38, chr4:47,942,057, plus strand): 5'-ATGGGGTGAGATCCACAAAAAAAAAAAAAAAAAATTATAGACACCTGGCAATAACCATTG[TC>T]CAGTTGTACATAACAGGTAATGTGATGCAAAACAGCCAGTTGTAATATGTGTTTCCCGAG-3'

ClinVar aggregate classification (germline): Pathogenic/Likely pathogenic. Review status: criteria provided, multiple submitters, no conflicts (2 of 4 stars). 2 submissions from 2 submitters: Pathogenic (1); Likely pathogenic (1). Last evaluated 2024-05-23.

Conditions:
Retinitis pigmentosa 49 (RP49). Identifiers: Orphanet 791, MedGen C3151059, MONDO:0013405, OMIM 613756.

Submissions (2):

Fulgent Genetics
Classification: Likely pathogenic for Retinitis pigmentosa 49. Last evaluated: 2024-05-23. Review status: criteria provided, single submitter. Criteria: ACMG Guidelines, 2015. Collection method: clinical testing. Allele origin: germline.

Labcorp Genetics (formerly Invitae), Labcorp
Classification: Pathogenic. Last evaluated: 2022-06-09. Review status: criteria provided, single submitter. Criteria: Invitae Variant Classification Sherloc (09022015). Collection method: clinical testing. Allele origin: germline.
Comment: This sequence change creates a premature translational stop signal (p.Trp180*) in the CNGA1 gene. It is expected to result in an absent or disrupted protein product. Loss-of-function variants in CNGA1 are known to be pathogenic (PMID: 7479749, 25268133). For these reasons, this variant has been classified as Pathogenic. This variant has not been reported in the literature in individuals affected with CNGA1-related conditions. This variant is not present in population databases (gnomAD no frequency).

Literature cited by the submitters: PubMed 7479749 (cited by Labcorp Genetics (formerly Invitae), Labcorp); PubMed 25268133 (cited by Labcorp Genetics (formerly Invitae), Labcorp).